The following is an entry in ClinVar:

NM_021830.5(TWNK):c.1243+7C>T

Gene: TWNK (twinkle mtDNA helicase; plus strand). Cytogenetic location: 10q24.31.
Variant type: single nucleotide variant.
Coding change: c.1243+7C>T on transcript NM_021830.5 (MANE Select); 7 bases into the intron after coding-DNA position 1243, C replaced by T.
Molecular consequence: intron variant.
Genome position (GRCh38, 1-based): chr10:100,989,460, C>T. VCF-style: chr10-100989460-C-T. GRCh37 (hg19) VCF-style: chr10-102749217-C-T.
Other names: p.?; c.1243+7C>T (NM_001163812.2); c.-119-184C>T (NM_001163814.2, NM_001163813.2); c.-57-246C>T (NM_001368275.1).
Identifiers: ClinVar variation 3609373 (VCV003609373.3).
Genomic context (GRCh38, chr10:100,989,460, plus strand): 5'-ACCTCAATCGTATCTTGAAGGGACATCGAAAGGGCGAGCTGACGGTCTTCACAGGTAACC[C>T]TTTGAGAAATCACTACTTAGAGTAAAGGGGCAGAAGATCAGGTGACAAAAGCAAGTGGGT-3'

ClinVar aggregate classification (germline): Likely benign. Review status: criteria provided, multiple submitters, no conflicts (2 of 4 stars). 2 submissions from 2 submitters: Likely benign (2). Last evaluated 2025-06-16.

Submissions (2):

Mayo Clinic Laboratories, Mayo Clinic
Classification: Likely benign. Last evaluated: 2025-06-16. Review status: criteria provided, single submitter. Criteria: ACMG Guidelines, 2015. Collection method: clinical testing. Allele origin: germline. Observed: 1 variant allele.
Comment: BP4, BP7

Labcorp Genetics (formerly Invitae), Labcorp
Classification: Likely benign. Last evaluated: 2024-08-29. Review status: criteria provided, single submitter. Criteria: Invitae Variant Classification Sherloc (09022015). Collection method: clinical testing. Allele origin: germline.